The following is an entry in ClinVar:

NM_000093.5(COL5A1):c.4177-151G>T

Gene: COL5A1 (collagen type V alpha 1 chain; plus strand). Cytogenetic location: 9q34.3.
Variant type: single nucleotide variant.
Coding change: c.4177-151G>T on transcript NM_000093.5 (MANE Select); 151 bases into the intron before coding-DNA position 4177, G replaced by T.
Molecular consequence: intron variant.
Genome position (GRCh38, 1-based): chr9:134,817,627, G>T. VCF-style: chr9-134817627-G-T. GRCh37 (hg19) VCF-style: chr9-137709473-G-T.
Other names: c.4177-151G>T (NM_001278074.1).
Identifiers: ClinVar variation 675604 (VCV000675604.1), dbSNP rs113755365, ClinGen allele CA201092094.
Genomic context (GRCh38, chr9:134,817,627, plus strand): 5'-AGGACCCGTGTCACTGCGGGTGGCCCGGGAGCAGCCTCCATGACCCTGCACCCCTGCCCT[G>T]CAGCCCGGCACACCCTGAGCACCTGCACCCGAGCTCGTCCCTCTGCCCCTGCAGGCCACA-3'

ClinVar aggregate classification (germline): Likely benign (1 of 4 stars; one submission).

Allele frequency attached by ClinVar (database versions not stated): gnomAD exomes 0.00121; 1000 Genomes Project 0.00699; 1000 Genomes Project 30x 0.00796; gnomAD 0.00833 and 0.00893; TOPMed 0.00940.
gnomAD v4.1: 2,011 of 739,504 alleles (0.27%); highest among the groups gnomAD compares: African/African-American, 2.8%; 27 homozygotes.

Submission:

GeneDx
Classification: Likely benign. Last evaluated: 2018-06-14. Review status: criteria provided, single submitter. Criteria: GeneDx Variant Classification (06012015). Collection method: clinical testing. Allele origin: germline. Affected: yes.
Comment: This variant is considered likely benign or benign based on one or more of the following criteria: it is a conservative change, it occurs at a poorly conserved position in the protein, it is predicted to be benign by multiple in silico algorithms, and/or has population frequency not consistent with disease.